The following is an entry in ClinVar:

ClinVar aggregate classification (germline): Conflicting classifications of pathogenicity. Review status: criteria provided, conflicting classifications (1 of 4 stars). 3 submissions from 3 submitters: Uncertain significance (2); Likely benign (1). Last evaluated 2024-12-18.

Conditions:
Cardiovascular phenotype. Identifiers: MedGen CN230736.

Allele frequency attached by ClinVar (database versions not stated): gnomAD 0.00024 and 0.00023; TOPMed 0.00006; gnomAD exomes 0.00012.
gnomAD v4.1: 210 of 1,515,562 alleles (0.014%); highest among the groups gnomAD compares: Non-Finnish European, 0.0089%; 1 homozygote.

Submissions (3):

GeneDx
Classification: Uncertain significance. Last evaluated: 2024-12-18. Review status: criteria provided, single submitter. Criteria: GeneDx Variant Classification Process June 2021. Collection method: clinical testing. Allele origin: germline. Affected: yes.
Comment: In silico analysis supports that this missense variant does not alter protein structure/function; This variant is associated with the following publications: (PMID: 29228253)

Labcorp Genetics (formerly Invitae), Labcorp
Classification: Uncertain significance. Last evaluated: 2022-06-14. Review status: criteria provided, single submitter. Criteria: Invitae Variant Classification Sherloc (09022015). Collection method: clinical testing. Allele origin: germline.
Comment: This sequence change replaces glutamic acid, which is acidic and polar, with glycine, which is neutral and non-polar, at codon 935 of the ZNF469 protein (p.Glu935Gly). This variant is present in population databases (rs773608978, gnomAD 0.2%). This variant has not been reported in the literature in individuals affected with ZNF469-related conditions. Algorithms developed to predict the effect of missense changes on protein structure and function are either unavailable or do not agree on the potential impact of this missense change (SIFT: "Tolerated"; PolyPhen-2: "Probably Damaging"; Align-GVGD: "Class C0"). In summary, the available evidence is currently insufficient to determine the role of this variant in disease. Therefore, it has been classified as a Variant of Uncertain Significance.

Ambry Genetics
Classification: Likely benign for Cardiovascular phenotype. Last evaluated: 2022-02-15. Review status: criteria provided, single submitter. Criteria: Ambry Variant Classification Scheme 2023. Collection method: clinical testing. Allele origin: germline.

Literature cited by the submitters: PubMed 29228253 (cited by Ambry Genetics).

NM_001367624.2(ZNF469):c.2804A>G (p.Glu935Gly)

Gene: ZNF469 (zinc finger protein 469; plus strand). Cytogenetic location: 16q24.2.
Variant type: single nucleotide variant.
Coding change: c.2804A>G on transcript NM_001367624.2 (MANE Select); coding-DNA position 2804, A replaced by G.
Protein change: p.Glu935Gly; replaces glutamic acid 935 with glycine.
Molecular consequence: missense variant.
Genome position (GRCh38, 1-based): chr16:88,430,274, A>G. VCF-style: chr16-88430274-A-G. GRCh37 (hg19) VCF-style: chr16-88496682-A-G.
Other names: NM_001127464.1:c.2804A>G; short protein forms E935G.
Identifiers: ClinVar variation 1399736 (VCV001399736.8), dbSNP rs773608978, ClinGen allele CA286374175.
Genomic context (GRCh38, chr16:88,430,274, plus strand): 5'-ACAGGGGCTGCCCAGCCCGAGGCAGGCCCAAAACGCGTTCCCTGGGTCTGGCCCCCACCG[A>G]GGCGGATGCGCCCAGCCAGGGCAGGCAGCAGAGGAGGGGGAAGCAGTTGAAGCTGTTCCG-3'
Protein context (NP_001354553.1, residues 925-945): KTRSLGLAPT[Glu935Gly]ADAPSQGRQQ